The following is an entry in ClinVar:

NM_001164508.2(NEB):c.19156G>T (p.Glu6386Ter)

Gene: NEB (nebulin; minus strand). Cytogenetic location: 2q23.3.
Variant type: single nucleotide variant.
Coding change: c.19156G>T on transcript NM_001164508.2 (MANE Select); coding-DNA position 19156, G replaced by T.
Protein change: p.Glu6386Ter; replaces glutamic acid 6386 with a stop codon.
Molecular consequence: nonsense.
Genome position (GRCh38, 1-based): chr2:151,561,054, C>A on the plus strand (G>T on the coding strand, the complement: NEB is on the minus strand). VCF-style: chr2-151561054-C-A. GRCh37 (hg19) VCF-style: chr2-152417568-C-A.
Other names: c.19156G>T, p.Glu6386Ter (NM_001164507.2, NM_001271208.2); c.14053G>T, p.Glu4685Ter (NM_004543.5); short protein forms E4685*, E6386*.
Identifiers: ClinVar variation 1071068 (VCV001071068.11), dbSNP rs2153702280, ClinGen allele CA348794687.

ClinVar aggregate classification (germline): Pathogenic/Likely pathogenic. Review status: criteria provided, multiple submitters, no conflicts (2 of 4 stars). 5 submissions from 5 submitters: Pathogenic (1); Likely pathogenic (4). Last evaluated 2024-08-05.

Conditions:
Nemaline myopathy 2 (NEM2). Also called: Nemaline myopathy 2, autosomal recessive. Identifiers: MedGen C1850569, MONDO:0009725, OMIM 256030.
Arthrogryposis multiplex congenita 6. Identifiers: MedGen C5543431, MONDO:0030281, OMIM 619334.
Nemaline myopathy. Also called: Myopathies, Nemaline. Identifiers: Orphanet 607, MedGen C0206157, MONDO:0018958.

gnomAD v4.1: 1 of 1,609,092 alleles (0.000062%); highest among the groups gnomAD compares: Admixed American, 0.0017%; no homozygotes.

Submissions (5):

Natera, Inc.
Classification: Likely pathogenic for Nemaline myopathy type 2. Last evaluated: 2024-08-05. Review status: criteria provided, single submitter. Criteria: Natera Variant Classification Schema (03/2026). Collection method: clinical testing. Allele origin: germline.
Comment: The c.19156G>T variant in NEB is a nonsense variant predicted to introduce a stop codon at amino acid 6386. This variant is expected to result in nonsense mediated decay, truncation, or a dysfunctional protein product. This variant is rare in the general population with a frequency below the threshold expected for the associated phenotype(s). Given the available evidence, this variant is classified as Likely Pathogenic.

Labcorp Genetics (formerly Invitae), Labcorp
Classification: Pathogenic for Nemaline myopathy 2. Last evaluated: 2024-02-11. Review status: criteria provided, single submitter. Criteria: Invitae Variant Classification Sherloc (09022015). Collection method: clinical testing. Allele origin: germline.
Comment: This sequence change creates a premature translational stop signal (p.Glu6386*) in the NEB gene. It is expected to result in an absent or disrupted protein product. Loss-of-function variants in NEB are known to be pathogenic (PMID: 25205138). This variant is not present in population databases (gnomAD no frequency). This variant has not been reported in the literature in individuals affected with NEB-related conditions. ClinVar contains an entry for this variant (Variation ID: 1071068). For these reasons, this variant has been classified as Pathogenic.

Fulgent Genetics
Classification: Likely pathogenic for Nemaline myopathy 2; Arthrogryposis multiplex congenita 6. Last evaluated: 2024-02-05. Review status: criteria provided, single submitter. Criteria: ACMG Guidelines, 2015. Collection method: clinical testing. Allele origin: germline.

Baylor Genetics
Classification: Likely pathogenic for Arthrogryposis multiplex congenita 6. Last evaluated: 2023-06-17. Review status: criteria provided, single submitter. Criteria: ACMG Guidelines, 2015. Collection method: clinical testing. Allele origin: unknown.

Women's Health and Genetics/Laboratory Corporation of America, LabCorp
Classification: Likely pathogenic for Nemaline myopathy. Last evaluated: 2022-07-20. Review status: criteria provided, single submitter. Criteria: LabCorp Variant Classification Summary - May 2015. Collection method: clinical testing. Allele origin: germline.
Comment: Variant summary: NEB c.19156G>T (p.Glu6386X) results in a premature termination codon, predicted to cause a truncation of the encoded protein or absence of the protein due to nonsense mediated decay, which are commonly known mechanisms for disease. Truncations downstream of this position have been classified as pathogenic by our laboratory. The variant was absent in 245588 control chromosomes (gnomAD). To our knowledge, no occurrence of c.19156G>T in individuals affected with Nemaline Myopathy 2 and no experimental evidence demonstrating its impact on protein function have been reported. One clinical diagnostic laboratory has submitted clinical-significance assessments for this variant to ClinVar after 2014, and classified the variant as pathogenic. Based on the evidence outlined above, the variant was classified as likely pathogenic.

Literature cited by the submitters: PubMed 25205138 (cited by Labcorp Genetics (formerly Invitae), Labcorp).